The following is an entry in ClinVar:

NM_001370466.1(NOD2):c.2106G>T (p.Glu702Asp)

Gene: NOD2 (nucleotide binding oligomerization domain containing 2; plus strand). Cytogenetic location: 16q12.1.
Variant type: single nucleotide variant.
Coding change: c.2106G>T on transcript NM_001370466.1 (MANE Select); coding-DNA position 2106, G replaced by T.
Protein change: p.Glu702Asp; replaces glutamic acid 702 with aspartic acid.
Molecular consequence: missense variant. On other transcripts: non-coding transcript variant (1).
Genome position (GRCh38, 1-based): chr16:50,712,098, G>T. VCF-style: chr16-50712098-G-T. GRCh37 (hg19) VCF-style: chr16-50746009-G-T.
Other names: c.2106G>T, p.Glu702Asp (NM_001293557.2); c.2187G>T, p.Glu729Asp (NM_022162.3); c.2187G>T (NM_022162.2); short protein forms E702D, E729D.
Identifiers: ClinVar variation 2090141 (VCV002090141.5), dbSNP rs2506431396, ClinGen allele CA395871258.

ClinVar aggregate classification (germline): Uncertain significance. Review status: criteria provided, single submitter (1 of 4 stars). 2 submissions from 2 submitters: Uncertain significance (1). 1 of the submissions does not count toward it. Last evaluated 2022-03-14.

Conditions:
Regional enteritis. Also called: Enteritis, Granulomatous. Identifiers: MedGen C0678202, MeSH D003424.
Blau syndrome (BLAUS). Also called: ARTHROCUTANEOUVEAL GRANULOMATOSIS; GRANULOMATOSIS, FAMILIAL JUVENILE SYSTEMIC; GRANULOMATOSIS, FAMILIAL, BLAU TYPE; GRANULOMATOUS INFLAMMATORY ARTHRITIS, DERMATITIS, AND UVEITIS, FAMILIAL; JABS SYNDROME. Identifiers: Orphanet 90340, MedGen C5201146, MONDO:0008523, OMIM 186580.
NOD2-related disorder. Also called: NOD2-related condition.

Allele frequency attached by ClinVar (database versions not stated): gnomAD exomes 0.00001.
gnomAD v4.1: 19 of 1,613,938 alleles (0.0012%); highest among the groups gnomAD compares: Non-Finnish European, 0.0015%; no homozygotes.

Submissions (2):

Labcorp Genetics (formerly Invitae), Labcorp
Classification: Uncertain significance for Regional enteritis; Blau syndrome. Last evaluated: 2022-03-14. Review status: criteria provided, single submitter. Criteria: Invitae Variant Classification Sherloc (09022015). Collection method: clinical testing. Allele origin: germline.
Comment: In summary, the available evidence is currently insufficient to determine the role of this variant in disease. Therefore, it has been classified as a Variant of Uncertain Significance. Advanced modeling of protein sequence and biophysical properties (such as structural, functional, and spatial information, amino acid conservation, physicochemical variation, residue mobility, and thermodynamic stability) performed at Invitae indicates that this missense variant is not expected to disrupt NOD2 protein function. This variant has not been reported in the literature in individuals affected with NOD2-related conditions. This variant is not present in population databases (gnomAD no frequency). This sequence change replaces glutamic acid, which is acidic and polar, with aspartic acid, which is acidic and polar, at codon 729 of the NOD2 protein (p.Glu729Asp).

PreventionGenetics, part of Exact Sciences
Classification: Uncertain significance for NOD2-related condition. Last evaluated: 2024-07-24. Review status: no assertion criteria provided. Collection method: clinical testing. Allele origin: germline. Not counted in ClinVar's aggregate classification.
Comment: The NOD2 c.2187G>T variant is predicted to result in the amino acid substitution p.Glu729Asp. To our knowledge, this variant has not been reported in the literature or in a large population database, indicating this variant is rare. At this time, the clinical significance of this variant is uncertain due to the absence of conclusive functional and genetic evidence.